The following is an entry in ClinVar:

NM_000390.4(CHM):c.971del (p.Tyr323_Leu324insTer)

Gene: CHM (CHM Rab escort protein; minus strand). Cytogenetic location: Xq21.2.
Variant type: Deletion.
Coding change: c.971del on transcript NM_000390.4 (MANE Select); coding-DNA position 971, one base deleted (T; older notation c.971delT).
Protein change: p.Tyr323_Leu324insTer.
Molecular consequence: nonsense.
Genome position (GRCh38, 1-based): chrX:85,956,348, A deleted on the plus strand (T on the coding strand, the reverse complement: CHM is on the minus strand); the first of 3 consecutive A bases (chrX:85,956,348-85,956,350); deleting any one gives the same sequence. VCF-style (leftmost placement, unchanged base first): chrX-85956347-TA-T. GRCh37 (hg19) VCF-style: chrX-85211352-TA-T.
Other names: c.527del, p.Tyr175_Leu176insTer (NM_001320959.1, NM_001362517.1, NM_001362518.2 and 1 more transcripts).
Identifiers: ClinVar variation 1188181 (VCV001188181.2), dbSNP rs2147663406, ClinGen allele CA2499226903.

ClinVar aggregate classification (germline): Pathogenic (1 of 4 stars; one submission).

Submission:

GeneDx
Classification: Pathogenic. Last evaluated: 2020-05-01. Review status: criteria provided, single submitter. Criteria: GeneDx Variant Classification Process June 2021. Collection method: clinical testing. Allele origin: germline. Affected: yes.
Comment: Nonsense variant predicted to result in protein truncation or nonsense mediated decay in a gene for which loss-of-function is a known mechanism of disease; Not observed in large population cohorts (Lek et al., 2016); Has not been previously published as pathogenic or benign to our knowledge